The following is an entry in ClinVar:

ClinVar aggregate classification (germline): Likely pathogenic (1 of 4 stars; one submission).

Conditions:
Cohen syndrome (COH1). Also called: PEPPER SYNDROME; Cutis verticis gyrata, retinitis pigmentosa, and sensorineural deafness. Identifiers: Orphanet 193, MedGen C0265223, MONDO:0008999, OMIM 216550.

Submission:

Natera, Inc.
Classification: Likely pathogenic for Cohen syndrome. Last evaluated: 2024-03-11. Review status: criteria provided, single submitter. Criteria: Natera Variant Classification Schema (03/2026). Collection method: clinical testing. Allele origin: germline.
Comment: The c.10139_10142delCGCC variant in VPS13B is a frameshift variant predicted to shift the reading frame beginning at codon 3380 and leads to a stop codon 14 codons downstream. This variant is expected to result in nonsense mediated decay, truncation, or a dysfunctional protein product. This variant is rare in the general population with a frequency below the threshold expected for the associated phenotype(s). Given the available evidence, this variant is classified as Likely Pathogenic.

NM_152564.5(VPS13B):c.10064_10067del (p.Ala3355fs)

Gene: VPS13B (vacuolar protein sorting 13 homolog B; plus strand). Cytogenetic location: 8q22.2.
Variant type: Deletion.
Coding change: c.10064_10067del on transcript NM_152564.5 (MANE Select); coding-DNA positions 10064 to 10067, 4 bases deleted (CGCC; older notation c.10064_10067delCGCC).
Protein change: p.Ala3355fs; shifts the reading frame from alanine 3355.
Molecular consequence: frameshift variant.
Genome position (GRCh38, 1-based): chr8:99,853,453-99,853,456, CGCC deleted. VCF-style (leftmost placement, unchanged base first): chr8-99853452-GCGCC-G. GRCh37 (hg19) VCF-style: chr8-100865680-GCGCC-G.
Other names: c.10139_10142del, p.Ala3380fs (NM_017890.5); short protein forms A3355fs, A3380fs.
Identifiers: ClinVar variation 4815920 (VCV004815920.1).